The following is an entry in ClinVar:

NM_000420.3(KEL):c.1861C>T (p.Pro621Ser)

Gene: KEL (Kell metallo-endopeptidase (Kell blood group); minus strand). Cytogenetic location: 7q34.
Variant type: single nucleotide variant.
Coding change: c.1861C>T on transcript NM_000420.3 (MANE Select); coding-DNA position 1861, C replaced by T.
Protein change: p.Pro621Ser; replaces proline 621 with serine.
Molecular consequence: missense variant.
Genome position (GRCh38, 1-based): chr7:142,942,955, G>A on the plus strand (C>T on the coding strand, the complement: KEL is on the minus strand). VCF-style: chr7-142942955-G-A. GRCh37 (hg19) VCF-style: chr7-142640042-G-A.
Other names: short protein forms P621S.
Identifiers: ClinVar variation 3600466 (VCV003600466.1).

ClinVar aggregate classification (germline): Uncertain significance (1 of 4 stars; one submission).

Submission:

Clinical Genomics Laboratory, Washington University in St. Louis
Classification: Uncertain significance. Last evaluated: 2024-06-10. Review status: criteria provided, single submitter. Criteria: ACMG Guidelines, 2015. Collection method: clinical testing. Allele origin: germline.
Comment: The KEL c.1861C>T (p.Pro621Ser) variant was identified at a near heterozygous allelic fraction of 48.3%, a frequency which may be consistent with it being of germline origin. The KEL c.1861C>T (p.Pro621Ser) variant, to our knowledge, has not been reported in the medical literature and it is absent from the general population (gnomAD v.4.1.0), indicating it is not a common variant. Computational predictors are uncertain as to the impact of this variant on KEL function. Due to limited information, and based on ACMG/AMP guidelines for variant interpretation (Richards S et al., PMID: 25741868), the clinical significance of this variant is uncertain at this time.